The following is an entry in ClinVar:

ClinVar aggregate classification (germline): Conflicting classifications of pathogenicity. Review status: criteria provided, conflicting classifications (1 of 4 stars). 6 submissions from 6 submitters: Likely pathogenic (1); Benign (1); Likely benign (4). Last evaluated 2025-11-25.

Conditions:
Chondrodysplasia punctata, brachytelephalangic, autosomal. Also called: BRACHYTELEPHALANGIC CHONDRODYSPLASIA PUNCTATA. Identifiers: MedGen C1844853, MONDO:0011238, OMIM 602497.
Inborn genetic diseases. Identifiers: MedGen C0950123, MeSH D030342.
X-linked chondrodysplasia punctata 1 (CDPX1). Also called: CHONDRODYSPLASIA PUNCTATA, BRACHYTELEPHALANGIC; Chondrodysplasia punctata, X-linked recessive. Identifiers: Orphanet 79345, MedGen C3669395, MONDO:0010555, OMIM 302950.
Connective tissue disorder. Also called: Connective tissue disease. Identifiers: MedGen C0009782, MONDO:0003900.

Allele frequency attached by ClinVar (database versions not stated): gnomAD exomes 0.00040 and 0.00054; TOPMed 0.00041; ESP Exome Variant Server 0.00047; gnomAD 0.00047 and 0.00049; ExAC 0.00065.
gnomAD v4.1: 489 of 1,210,715 alleles (0.04%); highest among the groups gnomAD compares: Non-Finnish European, 0.041%; no homozygotes.

Submissions (6):

Labcorp Genetics (formerly Invitae), Labcorp
Classification: Benign for Chondrodysplasia punctata, brachytelephalangic, autosomal. Last evaluated: 2025-11-25. Review status: criteria provided, single submitter. Criteria: Invitae Variant Classification Sherloc (09022015). Collection method: clinical testing. Allele origin: germline.

Blueprint Genetics
Classification: Likely benign. Last evaluated: 2024-11-11. Review status: criteria provided, single submitter. Criteria: ACMG Guidelines, 2015. Collection method: clinical testing. Allele origin: germline.

Ambry Genetics
Classification: Likely benign for Inborn genetic diseases. Last evaluated: 2024-09-08. Review status: criteria provided, single submitter. Criteria: Ambry Variant Classification Scheme 2023. Collection method: clinical testing. Allele origin: germline.

Women's Health and Genetics/Laboratory Corporation of America, LabCorp
Classification: Likely benign. Last evaluated: 2024-03-19. Review status: criteria provided, single submitter. Criteria: LabCorp Variant Classification Summary - May 2015. Collection method: clinical testing. Allele origin: germline.
Comment: Variant summary: ARSL c.1189G>A (p.Gly397Arg) results in a non-conservative amino acid change located in the N-terminal domain (IPR000917) of the encoded protein sequence. Four of five in-silico tools predict a damaging effect of the variant on protein function. The variant allele was found at a frequency of 0.0006 in 203935 control chromosomes, including 42 hemizygotes. The occurrence in several hemizygotes suggests that this variant is likely not associated with a high penetrance, severe, early onset disease phenotype in hemizygous state. To our knowledge, no occurrence of c.1189G>A in individuals affected with Chondrodysplasia Punctata 1, X-Linked Recessive and no experimental evidence demonstrating its impact on protein function have been reported. ClinVar contains an entry for this variant (Variation ID: 522724). Based on the evidence outlined above, the variant was classified as likely benign.

Genome Diagnostics Laboratory, The Hospital for Sick Children
Classification: Likely benign for Connective tissue disorder. Last evaluated: 2021-05-18. Review status: criteria provided, single submitter. Criteria: ACMG Guidelines, 2015. Collection method: clinical testing. Allele origin: germline.

Genomic Research Center, Shahid Beheshti University of Medical Sciences
Classification: Likely pathogenic for Chondrodysplasia punctata, brachytelephalangic, autosomal. Last evaluated: 2017-12-03. Review status: criteria provided, single submitter. Criteria: ACMG Guidelines, 2015. Collection method: clinical testing. Allele origin: inherited. Affected: yes.

NM_000047.3(ARSL):c.1189G>A (p.Gly397Arg)

Gene: ARSL (arylsulfatase L; minus strand). Cytogenetic location: Xp22.33.
Variant type: single nucleotide variant.
Coding change: c.1189G>A on transcript NM_000047.3 (MANE Select); coding-DNA position 1189, G replaced by A.
Protein change: p.Gly397Arg; replaces glycine 397 with arginine.
Molecular consequence: missense variant.
Genome position (GRCh38, 1-based): chrX:2,938,195, C>T on the plus strand (G>A on the coding strand, the complement: ARSL is on the minus strand). VCF-style: chrX-2938195-C-T. GRCh37 (hg19) VCF-style: chrX-2856236-C-T.
Other names: c.1264G>A, p.Gly422Arg (NM_001282628.2, NM_001369080.1); c.1027G>A, p.Gly343Arg (NM_001282631.2); c.1216G>A, p.Gly406Arg (NM_001369079.1); short protein forms G397R, G406R, G343R, G422R.
Identifiers: ClinVar variation 522724 (VCV000522724.22), dbSNP rs201424543, ClinGen allele CA10338053.